The following is an entry in ClinVar:

NM_001110556.2(FLNA):c.7165G>A (p.Ala2389Thr)

Gene: FLNA (filamin A; minus strand). Cytogenetic location: Xq28.
Variant type: single nucleotide variant.
Coding change: c.7165G>A on transcript NM_001110556.2 (MANE Select); coding-DNA position 7165, G replaced by A.
Protein change: p.Ala2389Thr; replaces alanine 2389 with threonine.
Molecular consequence: missense variant.
Genome position (GRCh38, 1-based): chrX:154,350,199, C>T on the plus strand (G>A on the coding strand, the complement: FLNA is on the minus strand). VCF-style: chrX-154350199-C-T. GRCh37 (hg19) VCF-style: chrX-153578567-C-T.
Other names: c.7141G>A, p.Ala2381Thr (NM_001456.4); c.7141G>A (NM_001456.3); short protein forms A2381T, A2389T.
Identifiers: ClinVar variation 1006629 (VCV001006629.11), dbSNP rs2067608494, ClinGen allele CA415184496.
Genomic context (GRCh38, chrX:154,350,199, plus strand): 5'-TGCCGTTGAACTTGACGTCAATCAGGTAAACGCCATTCTCCCGAGGGATGAAGCGCACAG[C>T]ATACTTATCTGAGGAGCAGGGAGTCATGCTGTGGGCCTGGGGCCCCTCCTCAAACCAGCA-3'
Protein context (NP_001104026.1, residues 2379-2399): YVTEIDQDKY[Ala2389Thr]VRFIPRENGV

ClinVar aggregate classification (germline): Uncertain significance (1 of 4 stars; one submission).

Conditions:
Frontometaphyseal dysplasia (FMD1). Identifiers: Orphanet 1826, MedGen C0265293, MONDO:0015942.
Melnick-Needles syndrome (MNS). Also called: MELNICK-NEEDLES OSTEODYSPLASTY; OSTEODYSPLASTY OF MELNICK AND NEEDLES; Melnick-Needles Syndrome (FLNA-MNS). Identifiers: Orphanet 2484, MedGen C0025237, MONDO:0010650, OMIM 309350.
Oto-palato-digital syndrome, type II (OPD2). Also called: FACIOPALATOOSSEOUS SYNDROME; Otopalatodigital Syndrome, Type II; OPD II SYNDROME; Otopalatodigital Syndrome Type 2 (FLNA-OPD2). Identifiers: Orphanet 669, Orphanet 90652, MedGen C1844696, MONDO:0010571, OMIM 304120.
Heterotopia, periventricular, X-linked dominant (PVNH1). Also called: PERIVENTRICULAR NODULAR HETEROTOPIA 1; X-linked periventricular heterotopia; PERIVENTRICULAR NODULAR HETEROTOPIA 4; HETEROTOPIA, PERIVENTRICULAR, 1. Identifiers: Orphanet 2149, Orphanet 82004, MedGen C1848213, MONDO:0010233, OMIM 300049.
FLNA-related disorder.

Submission:

Labcorp Genetics (formerly Invitae), Labcorp
Classification: Uncertain significance for Oto-palato-digital syndrome, type II; Heterotopia, periventricular, X-linked dominant; Frontometaphyseal dysplasia; Melnick-Needles syndrome. Last evaluated: 2020-01-13. Review status: criteria provided, single submitter. Criteria: Invitae Variant Classification Sherloc (09022015). Collection method: clinical testing. Allele origin: germline.
Comment: In summary, the available evidence is currently insufficient to determine the role of this variant in disease. Therefore, it has been classified as a Variant of Uncertain Significance. Algorithms developed to predict the effect of missense changes on protein structure and function (SIFT, PolyPhen-2, Align-GVGD) all suggest that this variant is likely to be disruptive, but these predictions have not been confirmed by published functional studies and their clinical significance is uncertain. This variant has not been reported in the literature in individuals with FLNA-related conditions. This variant is not present in population databases (ExAC no frequency). This sequence change replaces alanine with threonine at codon 2381 of the FLNA protein (p.Ala2381Thr). The alanine residue is highly conserved and there is a small physicochemical difference between alanine and threonine.